The following is an entry in ClinVar:

ClinVar aggregate classification (germline): Uncertain significance (1 of 4 stars; one submission).

Conditions:
Hereditary cancer-predisposing syndrome. Also called: Neoplastic Syndromes, Hereditary; Tumor predisposition; Hereditary Cancer Syndrome; Hereditary neoplastic syndrome. Identifiers: Orphanet 140162, MedGen C0027672, MeSH D009386, MONDO:0015356.

gnomAD v4.1: 1 of 1,614,282 alleles (0.000062%); highest among the groups gnomAD compares: Non-Finnish European, 0.000085%; no homozygotes.

Submission:

Ambry Genetics
Classification: Uncertain significance for Hereditary cancer-predisposing syndrome. Last evaluated: 2025-10-19. Review status: criteria provided, single submitter. Criteria: Ambry Variant Classification Scheme 2023. Collection method: clinical testing. Allele origin: germline.
Comment: The p.R527P variant (also known as c.1580G>C), located in coding exon 13 of the EGFR gene, results from a G to C substitution at nucleotide position 1580. The arginine at codon 527 is replaced by proline, an amino acid with dissimilar properties. This amino acid position is conserved. In addition, this alteration is predicted to be tolerated by in silico analysis. Based on the available evidence, the clinical significance of this variant remains unclear.

NM_005228.5(EGFR):c.1580G>C (p.Arg527Pro)

Gene: EGFR (epidermal growth factor receptor; plus strand). Cytogenetic location: 7p11.2.
Variant type: single nucleotide variant.
Coding change: c.1580G>C on transcript NM_005228.5 (MANE Select); coding-DNA position 1580, G replaced by C.
Protein change: p.Arg527Pro; replaces arginine 527 with proline.
Molecular consequence: missense variant.
Genome position (GRCh38, 1-based): chr7:55,161,580, G>C. VCF-style: chr7-55161580-G-C. GRCh37 (hg19) VCF-style: chr7-55229273-G-C.
Other names: c.1445G>C, p.Arg482Pro (NM_001346897.2, NM_001346899.2); c.1580G>C, p.Arg527Pro (NM_001346898.2, NM_201282.2, NM_201284.2); c.1421G>C, p.Arg474Pro (NM_001346900.2); c.779G>C, p.Arg260Pro (NM_001346941.2); short protein forms R474P, R482P, R527P, R260P.
Identifiers: ClinVar variation 4638996 (VCV004638996.1).